The following is an entry in ClinVar:

NM_000203.5(IDUA):c.493+4G>A

Gene: IDUA (alpha-L-iduronidase; plus strand). Cytogenetic location: 4p16.3.
Variant type: single nucleotide variant.
Coding change: c.493+4G>A on transcript NM_000203.5 (MANE Select); 4 bases into the intron after coding-DNA position 493, G replaced by A.
Molecular consequence: intron variant.
Genome position (GRCh38, 1-based): chr4:1,000,993, G>A. VCF-style: chr4-1000993-G-A. GRCh37 (hg19) VCF-style: chr4-994781-G-A.
Other names: c.97+4G>A (NM_001363576.1).
Identifiers: ClinVar variation 2058568 (VCV002058568.2), dbSNP rs969058029, ClinGen allele CA91166291.

ClinVar aggregate classification (germline): Uncertain significance. Review status: criteria provided, multiple submitters, no conflicts (2 of 4 stars). 2 submissions from 2 submitters: Uncertain significance (2). Last evaluated 2025-12-08.

Conditions:
Mucopolysaccharidosis type 1. Also called: IDUA deficiency; MPS I; Mucopolysaccharidosis Type I. Identifiers: Orphanet 579, MedGen C0023786, MONDO:0001586.

Allele frequency attached by ClinVar (database versions not stated): gnomAD exomes 0.00001; gnomAD 0.00003; TOPMed 0.00004.
gnomAD v4.1: 12 of 1,601,434 alleles (0.00075%); highest among the groups gnomAD compares: African/African-American, 0.012%; no homozygotes.

Submissions (2):

Women's Health and Genetics/Laboratory Corporation of America, LabCorp
Classification: Uncertain significance. Last evaluated: 2025-12-08. Review status: criteria provided, single submitter. Criteria: LabCorp Variant Classification Summary - May 2015. Collection method: clinical testing. Allele origin: germline.

Labcorp Genetics (formerly Invitae), Labcorp
Classification: Uncertain significance for Mucopolysaccharidosis type 1. Last evaluated: 2022-05-20. Review status: criteria provided, single submitter. Criteria: Invitae Variant Classification Sherloc (09022015). Collection method: clinical testing. Allele origin: germline.
Comment: This sequence change falls in intron 4 of the IDUA gene. It does not directly change the encoded amino acid sequence of the IDUA protein. It affects a nucleotide within the consensus splice site. This variant is present in population databases (no rsID available, gnomAD 0.006%). This variant has not been reported in the literature in individuals affected with IDUA-related conditions. Variants that disrupt the consensus splice site are a relatively common cause of aberrant splicing (PMID: 17576681, 9536098). Algorithms developed to predict the effect of sequence changes on RNA splicing suggest that this variant may create or strengthen a splice site. In summary, the available evidence is currently insufficient to determine the role of this variant in disease. Therefore, it has been classified as a Variant of Uncertain Significance.

Literature cited by the submitters: PubMed 17576681 (cited by Labcorp Genetics (formerly Invitae), Labcorp); PubMed 9536098 (cited by Labcorp Genetics (formerly Invitae), Labcorp).